The following is an entry in ClinVar:

NM_001278293.3(ARL6):c.536-4T>C

Gene: ARL6 (ARF like GTPase 6; plus strand). Cytogenetic location: 3q11.2.
Variant type: single nucleotide variant.
Coding change: c.536-4T>C on transcript NM_001278293.3 (MANE Select); 4 bases into the intron before coding-DNA position 536, T replaced by C.
Molecular consequence: intron variant.
Genome position (GRCh38, 1-based): chr3:97,798,020, T>C. VCF-style: chr3-97798020-T-C. GRCh37 (hg19) VCF-style: chr3-97516864-T-C.
Other names: c.536-4T>C (NM_032146.5, NM_177976.3); c.549-4T>C (NM_001323513.2); c.480-4T>C (NM_001323514.2).
Identifiers: ClinVar variation 346943 (VCV000346943.21), dbSNP rs201939836, ClinGen allele CA2506009.

ClinVar aggregate classification (germline): Conflicting classifications of pathogenicity. Review status: criteria provided, conflicting classifications (1 of 4 stars). 8 submissions from 7 submitters: Uncertain significance (2); Likely benign (2). 4 of the submissions do not count toward it. Last evaluated 2026-01-25.

Conditions:
Retinitis pigmentosa (RP). Identifiers: Orphanet 791, MedGen C0035334, MeSH D012174, MONDO:0019200, OMIM 268000. Inheritance: Autosomal dominant, autosomal recessive and X linked inheritance.
ARL6-related disorder. Also called: ARL6-related condition.
Retinitis pigmentosa 55 (RP55). Identifiers: Orphanet 791, MedGen C3150808, MONDO:0013312, OMIM 613575.
Bardet-Biedl syndrome 3 (BBS3). Identifiers: Orphanet 110, MedGen C1859564, MONDO:0010832, OMIM 600151.

Allele frequency attached by ClinVar (database versions not stated): ExAC 0.00004; gnomAD 0.00004; TOPMed 0.00004; ESP Exome Variant Server 0.00008; gnomAD exomes 0.00008 and 0.00016; 1000 Genomes Project 30x 0.00016; 1000 Genomes Project 0.00020.
gnomAD v4.1: 237 of 1,612,912 alleles (0.015%); highest among the groups gnomAD compares: Non-Finnish European, 0.02%; no homozygotes.

Submissions (8):

Labcorp Genetics (formerly Invitae), Labcorp
Classification: Likely benign for Retinitis pigmentosa 55; Bardet-Biedl syndrome 3. Last evaluated: 2026-01-25. Review status: criteria provided, single submitter. Criteria: Invitae Variant Classification Sherloc (09022015). Collection method: clinical testing. Allele origin: germline.

Blueprint Genetics
Classification: Likely benign. Last evaluated: 2024-11-14. Review status: criteria provided, single submitter. Criteria: ACMG Guidelines, 2015. Collection method: clinical testing. Allele origin: germline.

Illumina Laboratory Services, Illumina
Classification: Uncertain significance for Retinitis pigmentosa. Last evaluated: 2018-01-12. Review status: criteria provided, single submitter. Criteria: ICSL Variant Classification Criteria 13 December 2019. Collection method: clinical testing. Allele origin: germline.

Illumina Laboratory Services, Illumina
Classification: Uncertain significance for Bardet-Biedl syndrome 3. Last evaluated: 2018-01-12. Review status: criteria provided, single submitter. Criteria: ICSL Variant Classification Criteria 13 December 2019. Collection method: clinical testing. Allele origin: germline.

PreventionGenetics, part of Exact Sciences
Classification: Likely benign for ARL6-related condition. Last evaluated: 2020-12-06. Review status: no assertion criteria provided. Collection method: clinical testing. Allele origin: germline. Not counted in ClinVar's aggregate classification.
Comment: This variant is classified as likely benign based on ACMG/AMP sequence variant interpretation guidelines (Richards et al. 2015 PMID: 25741868, with internal and published modifications).

Clinical Genetics DNA and cytogenetics Diagnostics Lab, Erasmus MC, Erasmus Medical Center
Classification: Likely benign. Review status: no assertion criteria provided. Collection method: clinical testing. Allele origin: germline. Affected: yes. Study: VKGL Data-share Consensus. Not counted in ClinVar's aggregate classification.

Diagnostic Laboratory, Department of Genetics, University Medical Center Groningen
Classification: Likely benign. Review status: no assertion criteria provided. Collection method: clinical testing. Allele origin: germline. Affected: yes. Study: VKGL Data-share Consensus. Not counted in ClinVar's aggregate classification.

Genome Diagnostics Laboratory, Amsterdam University Medical Center
Classification: Likely benign. Review status: no assertion criteria provided. Collection method: clinical testing. Allele origin: germline. Affected: yes. Study: VKGL Data-share Consensus. Not counted in ClinVar's aggregate classification.